The following is an entry in ClinVar:

ClinVar aggregate classification (germline): Benign. Review status: criteria provided, multiple submitters, no conflicts (2 of 4 stars). 9 submissions from 9 submitters: Benign (7). 2 of the submissions do not count toward it. Last evaluated 2026-02-04.

Conditions:
Autosomal recessive polycystic kidney disease (ARPKD). Also called: AR polycystic kidney disease. Identifiers: Orphanet 731, Orphanet 8378, MedGen C0085548, MeSH D017044, MONDO:0009889.
Polycystic kidney disease. Also called: Polycystic kidney dysplasia; Kidney, Polycystic. Identifiers: MedGen C0022680, MeSH D007690, MONDO:0020642, HP:0000113.

Allele frequency attached by ClinVar (database versions not stated): 1000 Genomes Project 0.01478; 1000 Genomes Project 30x 0.01577; TOPMed 0.01830; ESP Exome Variant Server 0.01899.
gnomAD v4.1: 4,754 of 1,613,284 alleles (0.29%); highest among the groups gnomAD compares: African/African-American, 5.6%; 134 homozygotes.

Submissions (9):

Labcorp Genetics (formerly Invitae), Labcorp
Classification: Benign for Autosomal recessive polycystic kidney disease. Last evaluated: 2026-02-04. Review status: criteria provided, single submitter. Criteria: Invitae Variant Classification Sherloc (09022015). Collection method: clinical testing. Allele origin: germline.

Mayo Clinic Laboratories, Mayo Clinic
Classification: Benign. Last evaluated: 2023-04-10. Review status: criteria provided, single submitter. Criteria: ACMG Guidelines, 2015. Collection method: clinical testing. Allele origin: germline. Observed: 20 variant alleles.

GeneDx
Classification: Benign. Last evaluated: 2018-07-14. Review status: criteria provided, single submitter. Criteria: GeneDx Variant Classification Process June 2021. Collection method: clinical testing. Allele origin: germline. Affected: yes.

Illumina Laboratory Services, Illumina
Classification: Benign for Polycystic kidney disease 4. Last evaluated: 2017-09-29. Review status: criteria provided, single submitter. Criteria: ICSL Variant Classification Criteria 13 December 2019. Collection method: clinical testing. Allele origin: germline.
Comment: This variant was observed as part of a predisposition screen in an ostensibly healthy population. A literature search was performed for the gene, cDNA change, and amino acid change (where applicable). No publications were found based on this search. Allele frequency data from public databases was too high to be consistent with this variant causing disease. Therefore, this variant is classified as benign.

Women's Health and Genetics/Laboratory Corporation of America, LabCorp
Classification: Benign. Last evaluated: 2016-10-31. Review status: criteria provided, single submitter. Criteria: LabCorp Variant Classification Summary - May 2015. Collection method: clinical testing. Allele origin: germline.
Comment: Variant summary: The PKHD1 c.733C>T (p.Leu245Leu) variant involves the alteration of a non-conserved nucleotide, resulting in a synonymous change. One in silico tool predicts a damaging outcome for this variant. 4/5 splice prediction tools predict no significant impact on normal splicing. ESE finder predicts that this variant does not affect any ESE site. However, these predictions have yet to be confirmed by functional studies. This variant was found in 629/121404 control chromosomes (16 homozygotes), predominantly observed in the African subpopulation at a frequency of 0.0566981 (590/10406). This frequency is about 8 times the estimated maximal expected allele frequency of a pathogenic PKHD1 variant (0.0070711), suggesting this is likely a benign polymorphism found primarily in the populations of African origin. In addition, multiple clinical diagnostic laboratories/reputable databases classified this variant as benign. Taken together, this variant is classified as benign.

PreventionGenetics, part of Exact Sciences
Classification: Benign. Last evaluated: 2016-03-21. Review status: criteria provided, single submitter. Criteria: ACMG Guidelines, 2015. Collection method: clinical testing. Allele origin: germline.

Eurofins Ntd Llc (ga)
Classification: Benign. Last evaluated: 2015-08-20. Review status: criteria provided, single submitter. Criteria: EGL Classification Definitions 2015. Collection method: clinical testing. Allele origin: germline. Observed: 4 variant alleles, 4 heterozygotes.

Natera, Inc.
Classification: Benign for Autosomal recessive polycystic kidney disease. Last evaluated: 2017-05-11. Review status: no assertion criteria provided. Collection method: clinical testing. Allele origin: germline. Not counted in ClinVar's aggregate classification.

Department of Pathology and Laboratory Medicine, Sinai Health System
Classification: Likely benign for Polycystic Kidney disease. Review status: no assertion criteria provided. Collection method: clinical testing. Allele origin: unknown. Affected: yes. Study: The Canadian Open Genetics Repository (COGR). Not counted in ClinVar's aggregate classification.
Comment: The PKHD1 p.Leu245= variant was not identified in the literature nor was it identified in the GeneInsight-COGR, LOVD 3.0, RWTH AAachen University ARPKD database, databases. The variant was also identified in dbSNP (ID: rs111809699) as With Benign allele, ClinVar (classified as benign by Invitae, and three clinical laboratories), Clinvitae, databases. The variant was identified in control databases in 1469 of 277116 chromosomes (37 homozygous) at a frequency of 0.01 increasing the likelihood this could be a low frequency benign variant (Genome Aggregation Database Feb 27, 2017). Breakdown of the observations by population include African in 1337 of 24026 chromosomes (freq: 0.05), Other in 17 of 6466 chromosomes (freq: 0.003), Latino in 99 of 34416 chromosomes (freq: 0.003), European Non-Finnish in 13 of 126614 chromosomes (freq: 0.0001), and South Asian in 3 of 30782 chromosomes (freq: 0.0001), while the variant was not observed in the Ashkenazi Jewish, East Asian, Finnish, populations. The p.Leu245= variant is not expected to have clinical significance because it does not result in a change of amino acid and is not located in a known consensus splice site. The variant occurs outside of the splicing consensus sequence and 1 of 5 in silico or computational prediction software programs (SpliceSiteFinder, MaxEntScan, NNSPLICE, GeneSplicer, HumanSpliceFinder) predict a greater than 10% difference in splicing; this is not very predictive of pathogenicity. In summary, based on the above information, the clinical significance of this variant cannot be determined with certainty at this time although we would lean towards a more benign role for this variant. This variant is classified as likely benign.

NM_138694.4(PKHD1):c.733C>T (p.Leu245=)

Gene: PKHD1 (PKHD1 ciliary IPT domain containing fibrocystin/polyductin; minus strand). Cytogenetic location: 6p12.2.
Variant type: single nucleotide variant.
Coding change: c.733C>T on transcript NM_138694.4 (MANE Select); coding-DNA position 733, C replaced by T.
Protein change: p.Leu245=; no amino-acid change (leucine 245 retained).
Molecular consequence: synonymous variant.
Genome position (GRCh38, 1-based): chr6:52,069,502, G>A on the plus strand (C>T on the coding strand, the complement: PKHD1 is on the minus strand). VCF-style: chr6-52069502-G-A. GRCh37 (hg19) VCF-style: chr6-51934300-G-A.
Other names: p.Leu245=; c.733C>T, p.Leu245= (NM_170724.3).
Identifiers: ClinVar variation 96420 (VCV000096420.28), dbSNP rs111809699, ClinGen allele CA149521.